The following is an entry in ClinVar:

NM_014423.4(AFF4):c.409A>T (p.Ser137Cys)

Gene: AFF4 (ALF transcription elongation factor 4; minus strand). Cytogenetic location: 5q31.1.
Variant type: single nucleotide variant.
Coding change: c.409A>T on transcript NM_014423.4 (MANE Select); coding-DNA position 409, A replaced by T.
Protein change: p.Ser137Cys; replaces serine 137 with cysteine.
Molecular consequence: missense variant.
Genome position (GRCh38, 1-based): chr5:132,934,656, T>A on the plus strand (A>T on the coding strand, the complement: AFF4 is on the minus strand). VCF-style: chr5-132934656-T-A. GRCh37 (hg19) VCF-style: chr5-132270348-T-A.
Other names: short protein forms S137C.
Identifiers: ClinVar variation 4995796 (VCV004995796.1).
Genomic context (GRCh38, chr5:132,934,656, plus strand): 5'-TATATGACTCACGGTCGTGCCTCTGACCACTACTGTTAGTGCCACTACTGCTACCTGCGC[T>A]GGTCCGCTGGCTACTATGTCCACTCTGTAAGCCTGAGGACCGTTTCTGAGACTGAGAAGT-3'
Protein context (NP_055238.1, residues 127-147): LQSGHSSQRT[Ser137Cys]AGSSSGTNSS

ClinVar aggregate classification (germline): Uncertain significance (1 of 4 stars; one submission).

Conditions:
AFF4-related disorder. Also called: AFF4-related condition.

Submission:

PreventionGenetics, part of Exact Sciences
Classification: Uncertain significance for AFF4-related condition. Last evaluated: 2025-12-03. Review status: criteria provided, single submitter. Criteria: ACMG Guidelines, 2015. Collection method: clinical testing. Allele origin: germline.
Comment: The AFF4 c.409A>T variant is predicted to result in the amino acid substitution p.Ser137Cys. To our knowledge, this variant has not been reported in the literature or in a large population database (gnomAD), indicating this variant is rare. At this time, the clinical significance of this variant is uncertain due to the absence of conclusive functional and genetic evidence.